The following is an entry in ClinVar:

NM_020937.4(FANCM):c.2443T>C (p.Ser815Pro)

Gene: FANCM (FA complementation group M; plus strand). Cytogenetic location: 14q21.2.
Variant type: single nucleotide variant.
Coding change: c.2443T>C on transcript NM_020937.4 (MANE Select); coding-DNA position 2443, T replaced by C.
Protein change: p.Ser815Pro; replaces serine 815 with proline.
Molecular consequence: missense variant.
Genome position (GRCh38, 1-based): chr14:45,175,197, T>C. VCF-style: chr14-45175197-T-C. GRCh37 (hg19) VCF-style: chr14-45644400-T-C.
Other names: c.2365T>C, p.Ser789Pro (NM_001308133.2); short protein forms S815P, S789P.
Identifiers: ClinVar variation 4619642 (VCV004619642.1).

ClinVar aggregate classification (germline): Uncertain significance (1 of 4 stars; one submission).

Conditions:
Inborn genetic diseases. Identifiers: MedGen C0950123, MeSH D030342.

Submission:

Ambry Genetics
Classification: Uncertain significance for Inborn genetic diseases. Last evaluated: 2025-12-10. Review status: criteria provided, single submitter. Criteria: Ambry Variant Classification Scheme 2023. Collection method: clinical testing. Allele origin: germline.
Comment: The p.S815P variant (also known as c.2443T>C), located in coding exon 14 of the FANCM gene, results from a T to C substitution at nucleotide position 2443. The serine at codon 815 is replaced by proline, an amino acid with similar properties. This amino acid position is conserved. In addition, this alteration is predicted to be tolerated by in silico analysis. Based on the available evidence, the clinical significance of this variant remains unclear.